The following is an entry in ClinVar:

NM_000834.5(GRIN2B):c.1501-97C>T

Gene: GRIN2B (glutamate ionotropic receptor NMDA type subunit 2B; minus strand). Cytogenetic location: 12p13.1.
Variant type: single nucleotide variant.
Coding change: c.1501-97C>T on transcript NM_000834.5 (MANE Select); 97 bases into the intron before coding-DNA position 1501, C replaced by T.
Molecular consequence: intron variant.
Genome position (GRCh38, 1-based): chr12:13,615,364, G>A on the plus strand (C>T on the coding strand, the complement: GRIN2B is on the minus strand). VCF-style: chr12-13615364-G-A. GRCh37 (hg19) VCF-style: chr12-13768298-G-A.
Identifiers: ClinVar variation 675147 (VCV000675147.4), dbSNP rs1805486, ClinGen allele CA13758165.
Genomic context (GRCh38, chr12:13,615,364, plus strand): 5'-AGGAGGGCAAGGGACCACCACAAGGAAAATACAGCCTATCAGTGGTTTTCTTTGTATAGT[G>A]GGAACAATACATCTTATTTGCCATTTTATATTTTCTGAAATGCATAAAGTGAGCACGTTT-3'

ClinVar aggregate classification (germline): Benign. Review status: criteria provided, multiple submitters, no conflicts (2 of 4 stars). 3 submissions from 3 submitters: Benign (3). Last evaluated 2024-07-31.

Allele frequency attached by ClinVar (database versions not stated): gnomAD exomes 0.05095; gnomAD 0.05351 and 0.05757; TOPMed 0.05430; 1000 Genomes Project 30x 0.09275; 1000 Genomes Project 0.09565.
gnomAD v4.1: 72,841 of 1,410,354 alleles (5.2%); highest among the groups gnomAD compares: East Asian, 18%; 2,826 homozygotes.

Submissions (3):

Unidad de Genómica Garrahan, Hospital de Pediatría Garrahan
Classification: Benign. Last evaluated: 2024-07-31. Review status: criteria provided, single submitter. Criteria: ACMG Guidelines, 2015. Collection method: clinical testing. Allele origin: germline. Affected: no. Observed: 19 variant alleles.
Comment: This variant is classified as Benign based on local population frequency. This variant was detected in 20% of patients studied in a panel designed for Epileptic and Developmental Encephalopathy, Progressive Myoclonus Epilepsy and Abnormal Movements and Neurodegeneration with brain iron accumulation. Number of patients: 19. Only high quality variants are reported.

GeneDx
Classification: Benign. Last evaluated: 2018-06-18. Review status: criteria provided, single submitter. Criteria: GeneDx Variant Classification (06012015). Collection method: clinical testing. Allele origin: germline. Affected: yes.
Comment: This variant is considered likely benign or benign based on one or more of the following criteria: it is a conservative change, it occurs at a poorly conserved position in the protein, it is predicted to be benign by multiple in silico algorithms, and/or has population frequency not consistent with disease.

Breakthrough Genomics
Classification: Benign. Review status: criteria provided, single submitter. Criteria: ACMG Guidelines, 2015. Collection method: not provided. Allele origin: germline. Inheritance: Autosomal dominant inheritance. Affected: yes.